The following is an entry in ClinVar:

ClinVar aggregate classification (germline): Uncertain significance (1 of 4 stars; one submission).

Submission:

Mayo Clinic Laboratories, Mayo Clinic
Classification: Uncertain significance. Last evaluated: 2023-11-17. Review status: criteria provided, single submitter. Criteria: ACMG Guidelines, 2015. Collection method: clinical testing. Allele origin: germline. Observed: 1 variant allele.
Comment: BP4

NM_178335.3(CCDC50):c.427A>C (p.Ser143Arg)

Gene: CCDC50 (coiled-coil domain containing 50; plus strand). Cytogenetic location: 3q28.
Variant type: single nucleotide variant.
Coding change: c.427A>C on transcript NM_178335.3 (MANE Select); coding-DNA position 427, A replaced by C.
Protein change: p.Ser143Arg; replaces serine 143 with arginine.
Molecular consequence: missense variant.
Genome position (GRCh38, 1-based): chr3:191,370,015, A>C. VCF-style: chr3-191370015-A-C. GRCh37 (hg19) VCF-style: chr3-191087804-A-C.
Other names: p.Ser143Arg; c.427A>C, p.Ser143Arg (NM_174908.4); short protein forms S143R.
Identifiers: ClinVar variation 3379524 (VCV003379524.1).
Genomic context (GRCh38, chr3:191,370,015, plus strand): 5'-GAAGAGAAAAAGAGAAAGAAACACTTTCCAGAGTTCCCTGCAACCCGTGCTTATGCAGAT[A>C]GTTACTATTATGAAGATGGAGGTAACAATTCCTGCATCATGATCTATTCTATCCTTAGAC-3'
Protein context (NP_848018.1, residues 133-153): EFPATRAYAD[Ser143Arg]YYYEDGDQPG